The following is an entry in ClinVar:

ClinVar aggregate classification (germline): Conflicting classifications of pathogenicity. Review status: criteria provided, conflicting classifications (1 of 4 stars). 2 submissions from 2 submitters: Uncertain significance (1); Likely benign (1). Last evaluated 2025-01-13.

Conditions:
Koolen-de Vries syndrome (KDVS). Identifiers: Orphanet 96169, MedGen C1864871, MONDO:0012496, OMIM 610443.

Allele frequency attached by ClinVar (database versions not stated): TOPMed 0.00001; gnomAD exomes 0.00002; ExAC 0.00003; gnomAD 0.00003; ESP Exome Variant Server 0.00008.
gnomAD v4.1: 35 of 1,614,044 alleles (0.0022%); highest among the groups gnomAD compares: Non-Finnish European, 0.0023%; no homozygotes.

Submissions (2):

Labcorp Genetics (formerly Invitae), Labcorp
Classification: Uncertain significance for Koolen-de Vries syndrome. Last evaluated: 2025-01-13. Review status: criteria provided, single submitter. Criteria: Invitae Variant Classification Sherloc (09022015). Collection method: clinical testing. Allele origin: germline.
Comment: Due to the possible presence of a polymorphic segmental duplication, the location of the variant could not be unambiguously resolved. Variants with ambiguous mapping are still reported relative to the KANSL1 transcript. This sequence change replaces arginine, which is basic and polar, with tryptophan, which is neutral and slightly polar, at codon 341 of the KANSL1 protein (p.Arg341Trp). The frequency data for this variant in the population databases (gnomAD) is considered unreliable due to the presence of homologous sequence, such as pseudogenes or paralogs, in the genome. This variant has not been reported in the literature in individuals with KANSL1-related conditions. ClinVar contains an entry for this variant (Variation ID: 393029). Invitae Evidence Modeling of protein sequence and biophysical properties (such as structural, functional, and spatial information, amino acid conservation, physicochemical variation, residue mobility, and thermodynamic stability) indicates that this missense variant is not expected to disrupt KANSL1 protein function with a negative predictive value of 80%. Until the location of this sequence change can be resolved, the clinical significance of this variant remains uncertain. It has been classified as a Variant of Uncertain Significance.

GeneDx
Classification: Likely benign. Last evaluated: 2017-01-16. Review status: criteria provided, single submitter. Criteria: GeneDx Variant Classification (06012015). Collection method: clinical testing. Allele origin: germline. Affected: yes.
Comment: This variant is considered likely benign or benign based on one or more of the following criteria: it is a conservative change, it occurs at a poorly conserved position in the protein, it is predicted to be benign by multiple in silico algorithms, and/or has population frequency not consistent with disease.

NM_015443.4(KANSL1):c.1021C>T (p.Arg341Trp)

Gene: KANSL1 (KAT8 regulatory NSL complex subunit 1). Cytogenetic location: 17q21.31.
Variant type: single nucleotide variant.
Coding change: c.1021C>T on transcript NM_015443.4 (MANE Select); coding-DNA position 1021, C replaced by T.
Protein change: p.Arg341Trp; replaces arginine 341 with tryptophan.
Molecular consequence: missense variant.
Genome position (GRCh38, 1-based): chr17:46,171,123, G>A on the plus strand (C>T on the coding strand, the complement: KANSL1 is on the minus strand). VCF-style: chr17-46171123-G-A. GRCh37 (hg19) VCF-style: chr17-44248489-G-A.
Other names: c.1021C>T, p.Arg341Trp (NM_001193465.2, NM_001193466.2, NM_001379198.1); short protein forms R341W.
Identifiers: ClinVar variation 393029 (VCV000393029.8), dbSNP rs373918467, ClinGen allele CA8618903.
Genomic context (GRCh38, chr17:46,171,123, plus strand): 5'-TCTCACTGGCAGCTTTTCTCAAGGCAGCTTCAGCCTTTCGAGTCAGCATCAACTGGCTCC[G>A]TGGTCTCAAGGATTCCAAGTTTGGCAGTTTGCTCAAAGTCTTCTCCAAAAATCCACCCAG-3'
Protein context (NP_056258.1, residues 331-351): KLPNLESLRP[Arg341Trp]SQLMLTRKAE